The following is an entry in ClinVar:

NM_170743.4(IFNLR1):c.224C>T (p.Ala75Val)

Gene: IFNLR1 (interferon lambda receptor 1; minus strand). Cytogenetic location: 1p36.11.
Variant type: single nucleotide variant.
Coding change: c.224C>T on transcript NM_170743.4 (MANE Select); coding-DNA position 224, C replaced by T.
Protein change: p.Ala75Val; replaces alanine 75 with valine.
Molecular consequence: missense variant.
Genome position (GRCh38, 1-based): chr1:24,169,560, G>A on the plus strand (C>T on the coding strand, the complement: IFNLR1 is on the minus strand). VCF-style: chr1-24169560-G-A. GRCh37 (hg19) VCF-style: chr1-24496050-G-A.
Other names: c.224C>T, p.Ala75Val (NM_173064.3, NM_173065.3); short protein forms A75V.
Identifiers: ClinVar variation 3056574 (VCV003056574.2), dbSNP rs115773768, ClinGen allele CA689665.

ClinVar aggregate classification (germline): Benign (0 of 4 stars; one submission).

Conditions:
IFNLR1-related disorder. Also called: IFNLR1-related condition.

Allele frequency attached by ClinVar (database versions not stated): ExAC 0.00144; gnomAD 0.00462; TOPMed 0.00499; 1000 Genomes Project 0.00559; ESP Exome Variant Server 0.00577; 1000 Genomes Project 30x 0.00671.
gnomAD v4.1: 1,451 of 1,614,070 alleles (0.09%); highest among the groups gnomAD compares: African/African-American, 1.7%; 7 homozygotes.

Submission:

PreventionGenetics, part of Exact Sciences
Classification: Benign for IFNLR1-related condition. Last evaluated: 2019-06-05. Review status: no assertion criteria provided. Collection method: clinical testing. Allele origin: germline.
Comment: This variant is classified as benign based on ACMG/AMP sequence variant interpretation guidelines (Richards et al. 2015 PMID: 25741868, with internal and published modifications).